The following is an entry in ClinVar:

ClinVar aggregate classification (germline): Uncertain significance (1 of 4 stars; one submission).

Allele frequency attached by ClinVar (database versions not stated): gnomAD 0.00001; gnomAD exomes 0.00001; TOPMed 0.00002.
gnomAD v4.1: 20 of 1,598,936 alleles (0.0013%); highest among the groups gnomAD compares: Non-Finnish European, 0.0014%; no homozygotes.

Submission:

Labcorp Genetics (formerly Invitae), Labcorp
Classification: Uncertain significance. Last evaluated: 2024-07-21. Review status: criteria provided, single submitter. Criteria: Invitae Variant Classification Sherloc (09022015). Collection method: clinical testing. Allele origin: germline.
Comment: This sequence change replaces arginine, which is basic and polar, with tryptophan, which is neutral and slightly polar, at codon 974 of the SUCO protein (p.Arg974Trp). The frequency data for this variant in the population databases is considered unreliable, as metrics indicate poor data quality at this position in the gnomAD database. This variant has not been reported in the literature in individuals affected with SUCO-related conditions. An algorithm developed to predict the effect of missense changes on protein structure and function (PolyPhen-2) suggests that this variant is likely to be disruptive. In summary, the available evidence is currently insufficient to determine the role of this variant in disease. Therefore, it has been classified as a Variant of Uncertain Significance.

NM_014283.5(SUCO):c.2920C>T (p.Arg974Trp)

Gene: SUCO (SUN domain containing ossification factor; plus strand). Cytogenetic location: 1q24.3.
Variant type: single nucleotide variant.
Coding change: c.2920C>T on transcript NM_014283.5 (MANE Select); coding-DNA position 2920, C replaced by T.
Protein change: p.Arg974Trp; replaces arginine 974 with tryptophan.
Molecular consequence: missense variant.
Genome position (GRCh38, 1-based): chr1:172,600,070, C>T. VCF-style: chr1-172600070-C-T. GRCh37 (hg19) VCF-style: chr1-172569210-C-T.
Other names: c.1807C>T, p.Arg603Trp (NM_001282750.2); c.1231C>T, p.Arg411Trp (NM_001282751.2); c.3373C>T, p.Arg1125Trp (NM_016227.4); short protein forms R974W, R1125W, R411W, R603W.
Identifiers: ClinVar variation 2727033 (VCV002727033.3), dbSNP rs952518816, ClinGen allele CA32740653.